The following is an entry in ClinVar:

NM_002602.4(PDE6G):c.6C>A (p.Asn2Lys)

Gene: PDE6G (phosphodiesterase 6G; minus strand). Cytogenetic location: 17q25.3.
Variant type: single nucleotide variant.
Coding change: c.6C>A on transcript NM_002602.4 (MANE Select); coding-DNA position 6, C replaced by A.
Protein change: p.Asn2Lys; replaces asparagine 2 with lysine.
Molecular consequence: missense variant.
Genome position (GRCh38, 1-based): chr17:81,653,300, G>T on the plus strand (C>A on the coding strand, the complement: PDE6G is on the minus strand). VCF-style: chr17-81653300-G-T. GRCh37 (hg19) VCF-style: chr17-79620330-G-T.
Other names: c.6C>A, p.Asn2Lys (NM_001365724.1, NM_001365725.1); short protein forms N2K.
Identifiers: ClinVar variation 1468714 (VCV001468714.7), dbSNP rs766951952, ClinGen allele CA8839083.
Genomic context (GRCh38, chr17:81,653,300, plus strand): 5'-GGTGACAGGTCCCCCGGCCACCCTGGTGGCTGACCGGAACTCAGCCTTGGGCGGTTCCAG[G>T]TTCATGGTGAGGCTGACGGAGACACCGCGGCAACCTTGGCTCCTGGACTCCCTCCTGCTG-3'
Protein context (NP_002593.1, residues 1-12): M[Asn2Lys]LEPPKAEFRS

ClinVar aggregate classification (germline): Uncertain significance. Review status: criteria provided, multiple submitters, no conflicts (2 of 4 stars). 2 submissions from 2 submitters: Uncertain significance (2). Last evaluated 2023-10-01.

Conditions:
Retinal dystrophy. Also called: Inherited retinal dystrophy. Identifiers: Orphanet 71862, MedGen C0854723, MeSH D058499, MONDO:0019118, HP:0000556.

Allele frequency attached by ClinVar (database versions not stated): gnomAD exomes 0.00005; ExAC 0.00008.
gnomAD v4.1: 18 of 1,612,914 alleles (0.0011%); highest among the groups gnomAD compares: East Asian, 0.027%; no homozygotes.

Submissions (2):

Dept Of Ophthalmology, Nagoya University
Classification: Uncertain significance for Retinal dystrophy. Last evaluated: 2023-10-01. Review status: criteria provided, single submitter. Criteria: Submitter's publication. Collection method: research. Allele origin: germline. Affected: yes.

Labcorp Genetics (formerly Invitae), Labcorp
Classification: Uncertain significance. Last evaluated: 2021-07-28. Review status: criteria provided, single submitter. Criteria: Invitae Variant Classification Sherloc (09022015). Collection method: clinical testing. Allele origin: germline.
Comment: This sequence change replaces asparagine with lysine at codon 2 of the PDE6G protein (p.Asn2Lys). The asparagine residue is highly conserved and there is a moderate physicochemical difference between asparagine and lysine. This variant is present in population databases (rs766951952, ExAC 0.08%). This variant has not been reported in the literature in individuals affected with PDE6G-related conditions. Algorithms developed to predict the effect of missense changes on protein structure and function are either unavailable or do not agree on the potential impact of this missense change (SIFT: "Deleterious"; PolyPhen-2: "Benign"; Align-GVGD: "Class C25"). In summary, the available evidence is currently insufficient to determine the role of this variant in disease. Therefore, it has been classified as a Variant of Uncertain Significance.